The following is an entry in ClinVar:

ClinVar aggregate classification (germline): Uncertain significance. Review status: criteria provided, multiple submitters, no conflicts (2 of 4 stars). 4 submissions from 4 submitters: Uncertain significance (4). Last evaluated 2024-10-02.

Conditions:
Hereditary cancer-predisposing syndrome. Also called: Hereditary Cancer Syndrome; Neoplastic Syndromes, Hereditary; Tumor predisposition; Hereditary neoplastic syndrome. Identifiers: Orphanet 140162, MedGen C0027672, MeSH D009386, MONDO:0015356.
Familial cancer of breast. Also called: BREAST CANCER, FAMILIAL; Hereditary breast cancer; hereditary breast carcinoma. Identifiers: Orphanet 227535, MedGen C0346153, MONDO:0016419, OMIM 114480. Disease mechanism: loss of function.

Submissions (4):

Labcorp Genetics (formerly Invitae), Labcorp
Classification: Uncertain significance for Familial cancer of breast. Last evaluated: 2024-10-02. Review status: criteria provided, single submitter. Criteria: Invitae Variant Classification Sherloc (09022015). Collection method: clinical testing. Allele origin: germline.
Comment: This sequence change replaces methionine, which is neutral and non-polar, with threonine, which is neutral and polar, at codon 408 of the BARD1 protein (p.Met408Thr). This variant is not present in population databases (gnomAD no frequency). This missense change has been observed in individual(s) with colorectal cancer (PMID: 28135145). ClinVar contains an entry for this variant (Variation ID: 481398). An algorithm developed to predict the effect of missense changes on protein structure and function outputs the following: PolyPhen-2: "Benign". The threonine amino acid residue is found in multiple mammalian species, which suggests that this missense change does not adversely affect protein function. In summary, the available evidence is currently insufficient to determine the role of this variant in disease. Therefore, it has been classified as a Variant of Uncertain Significance.

Color Diagnostics, LLC DBA Color Health
Classification: Uncertain significance for Hereditary cancer-predisposing syndrome. Last evaluated: 2024-06-17. Review status: criteria provided, single submitter. Criteria: ACMG Guidelines, 2015. Collection method: clinical testing. Allele origin: germline.
Comment: This missense variant replaces methionine with threonine at codon 408 of the BARD1 protein. Computational prediction suggests that this variant may not impact protein structure and function. To our knowledge, functional studies have not been performed for this variant. This variant has been reported in an individual affected with colorectal cancer (PMID: 28135145). This variant has not been identified in the general population by the Genome Aggregation Database (gnomAD). The available evidence is insufficient to determine the role of this variant in disease conclusively. Therefore, this variant is classified as a Variant of Uncertain Significance.

Ambry Genetics
Classification: Uncertain significance for Hereditary cancer-predisposing syndrome. Last evaluated: 2022-09-16. Review status: criteria provided, single submitter. Criteria: Ambry Variant Classification Scheme 2023. Collection method: clinical testing. Allele origin: germline.
Comment: The p.M408T variant (also known as c.1223T>C), located in coding exon 4 of the BARD1 gene, results from a T to C substitution at nucleotide position 1223. The methionine at codon 408 is replaced by threonine, an amino acid with similar properties. This variant was identified in 1/1058 individuals diagnosed with colorectal cancer who underwent germline testing for 25 cancer susceptibility genes (Yurgelun MB et al. J. Clin. Oncol., 2017 Apr;35:1086-1095). This amino acid position is not well conserved in available vertebrate species. In addition, this alteration is predicted to be tolerated by in silico analysis. Since supporting evidence is limited at this time, the clinical significance of this alteration remains unclear.

Quest Diagnostics Nichols Institute San Juan Capistrano
Classification: Uncertain significance. Last evaluated: 2019-10-16. Review status: criteria provided, single submitter. Criteria: Quest Diagnostics criteria. Collection method: clinical testing. Allele origin: unknown.

Literature cited by the submitters: PubMed 28135145 (cited by 3 submitters).

NM_000465.4(BARD1):c.1223T>C (p.Met408Thr)

Gene: BARD1 (BRCA1 associated RING domain 1; minus strand). Cytogenetic location: 2q35.
Variant type: single nucleotide variant.
Coding change: c.1223T>C on transcript NM_000465.4 (MANE Select); coding-DNA position 1223, T replaced by C.
Protein change: p.Met408Thr; replaces methionine 408 with threonine.
Molecular consequence: missense variant. On other transcripts: intron variant (3), non-coding transcript variant (2).
Genome position (GRCh38, 1-based): chr2:214,780,651, A>G on the plus strand (T>C on the coding strand, the complement: BARD1 is on the minus strand). VCF-style: chr2-214780651-A-G. GRCh37 (hg19) VCF-style: chr2-215645375-A-G.
Other names: c.159-28096T>C (NM_001282548.2); c.215+16410T>C (NM_001282545.2); c.1166T>C, p.Met389Thr (NM_001282543.2); c.364+11646T>C (NM_001282549.2); short protein forms M408T, M389T.
Identifiers: ClinVar variation 481398 (VCV000481398.21), dbSNP rs1553622167, ClinGen allele CA350453664.